The following is an entry in ClinVar:

NM_004608.4(TBX6):c.1304T>C (p.Met435Thr)

Gene: TBX6 (T-box transcription factor 6; minus strand). Cytogenetic location: 16p11.2.
Variant type: single nucleotide variant.
Coding change: c.1304T>C on transcript NM_004608.4 (MANE Select); coding-DNA position 1304, T replaced by C.
Protein change: p.Met435Thr; replaces methionine 435 with threonine.
Molecular consequence: missense variant.
Genome position (GRCh38, 1-based): chr16:30,086,232, A>G on the plus strand (T>C on the coding strand, the complement: TBX6 is on the minus strand). VCF-style: chr16-30086232-A-G. GRCh37 (hg19) VCF-style: chr16-30097553-A-G.
Other names: short protein forms M435T.
Identifiers: ClinVar variation 3627173 (VCV003627173.2).

ClinVar aggregate classification (germline): Uncertain significance (1 of 4 stars; one submission).

gnomAD v4.1: 3 of 1,611,466 alleles (0.00019%); highest among the groups gnomAD compares: African/African-American, 0.0013%; no homozygotes.

Submission:

Labcorp Genetics (formerly Invitae), Labcorp
Classification: Uncertain significance. Last evaluated: 2024-06-07. Review status: criteria provided, single submitter. Criteria: Invitae Variant Classification Sherloc (09022015). Collection method: clinical testing. Allele origin: germline.
Comment: This sequence change replaces methionine, which is neutral and non-polar, with threonine, which is neutral and polar, at codon 435 of the TBX6 protein (p.Met435Thr). This variant is not present in population databases (gnomAD no frequency). This variant has not been reported in the literature in individuals affected with TBX6-related conditions. An algorithm developed to predict the effect of missense changes on protein structure and function (PolyPhen-2) suggests that this variant is likely to be tolerated. In summary, the available evidence is currently insufficient to determine the role of this variant in disease. Therefore, it has been classified as a Variant of Uncertain Significance.